The following is an entry in ClinVar:

NM_000551.4(VHL):c.194C>T (p.Ser65Leu)

Gene: VHL (von Hippel-Lindau tumor suppressor; plus strand). Cytogenetic location: 3p25.3.
Variant type: single nucleotide variant.
Coding change: c.194C>T on transcript NM_000551.4 (MANE Select); coding-DNA position 194, C replaced by T.
Protein change: p.Ser65Leu; replaces serine 65 with leucine.
Molecular consequence: missense variant.
Genome position (GRCh38, 1-based): chr3:10,142,041, C>T. VCF-style: chr3-10142041-C-T. GRCh37 (hg19) VCF-style: chr3-10183725-C-T.
Other names: c.194C>T, p.Ser65Leu (NM_001354723.2, NM_198156.3); short protein forms S65L.
Identifiers: ClinVar variation 182975 (VCV000182975.13), dbSNP rs5030826, ClinGen allele CA020104.

ClinVar aggregate classification (germline): Pathogenic. Review status: criteria provided, multiple submitters, no conflicts (2 of 4 stars). 3 submissions from 3 submitters: Pathogenic (3). Last evaluated 2024-08-23.

Conditions:
Von Hippel-Lindau syndrome (VHLS). Also called: VHL syndrome; Von Hippel-Lindau; von Hippel–Lindau syndrome. Identifiers: Orphanet 892, MedGen C0019562, MONDO:0008667, OMIM 193300. Disease mechanism: loss of function.
Chuvash polycythemia. Also called: POLYCYTHEMIA, VHL-DEPENDENT. Identifiers: Orphanet 238557, MedGen C1837915, MONDO:0009892, OMIM 263400.
Cerebellar hemangioblastoma. Also called: Hemangioblastoma, sporadic cerebellar. Identifiers: MedGen C1332900, MONDO:0003901, HP:0006880.
Pancreatic cysts. Identifiers: MedGen C0030283, HP:0001737.
Retinal capillary hemangioma. Also called: Retinal hemangioblastoma. Identifiers: MedGen C0730303, MONDO:0003343, HP:0009711.
Spinal hemangioblastoma. Identifiers: MedGen C4024223, HP:0009713.
Hereditary cancer-predisposing syndrome. Also called: Tumor predisposition; Hereditary Cancer Syndrome; Hereditary neoplastic syndrome; Neoplastic Syndromes, Hereditary. Identifiers: Orphanet 140162, MedGen C0027672, MeSH D009386, MONDO:0015356.

Submissions (3):

Ambry Genetics
Classification: Pathogenic for Hereditary cancer-predisposing syndrome. Last evaluated: 2024-08-23. Review status: criteria provided, single submitter. Criteria: Ambry Variant Classification Scheme 2023. Collection method: clinical testing. Allele origin: germline.
Comment: The p.S65L pathogenic mutation (also known as c.194C>T), located in coding exon 1 of the VHL gene, results from a C to T substitution at nucleotide position 194. The serine at codon 65 is replaced by leucine, an amino acid with dissimilar properties. This variant has been observed in multiple individuals with a personal and/or family history that is consistent with von Hippel-Lindau (VHL) syndrome (Ambry internal data; Cybulski C et al. J Med Genet, 2002 Jul;39:E38; Skalova A et al. Pathol Res Pract, 2008 Apr;204:599-606; Dandanell M et al. BMC Med Genet, 2012 Jul;13:54; Hong B et al. Front Genet, 2019 Sep;10:867; Ayub N et al. Endocrinol Diabetes Metab Case Rep, 2022 Mar;2022). In an in vitro assay, a mutant S65L VHL protein demonstrated that while the mutant protein can still form the correct E3 protein complex, the complex completely lost the ability to bind and promote degradation of hypoxia-inducible transcription factor (Miller, F. J Biol Chem. 2005 Mar 4;280(9):7985-96). This variant is considered to be rare based on population cohorts in the Genome Aggregation Database (gnomAD). This amino acid position is highly conserved in available vertebrate species. In addition, this alteration is predicted to be deleterious by in silico analysis. Based on the supporting evidence, this variant is interpreted as a disease-causing mutation.

Labcorp Genetics (formerly Invitae), Labcorp
Classification: Pathogenic for Von Hippel-Lindau syndrome; Chuvash polycythemia. Last evaluated: 2022-11-14. Review status: criteria provided, single submitter. Criteria: Invitae Variant Classification Sherloc (09022015). Collection method: clinical testing. Allele origin: germline.
Comment: This sequence change replaces serine, which is neutral and polar, with leucine, which is neutral and non-polar, at codon 65 of the VHL protein (p.Ser65Leu). This variant is not present in population databases (gnomAD no frequency). This missense change has been observed in individuals with clinical features of von Hippel-Lindau syndrome (PMID: 7987306, 10567493, 12114495, 22799452). This variant is also known as Ser136Leu. ClinVar contains an entry for this variant (Variation ID: 182975). Advanced modeling of protein sequence and biophysical properties (such as structural, functional, and spatial information, amino acid conservation, physicochemical variation, residue mobility, and thermodynamic stability) performed at Invitae indicates that this missense variant is expected to disrupt VHL protein function. Experimental studies have shown that this missense change affects VHL function (PMID: 15611064). This variant disrupts the p.Ser65 amino acid residue in VHL. Other variant(s) that disrupt this residue have been determined to be pathogenic (PMID: 7728151, 7987306, 22799452, 23384228). This suggests that this residue is clinically significant, and that variants that disrupt this residue are likely to be disease-causing. For these reasons, this variant has been classified as Pathogenic.

Centre for Mendelian Genomics, University Medical Centre Ljubljana
Classification: Pathogenic for Cerebellar hemangioblastoma; Pancreatic cysts; Retinal capillary hemangioma; Spinal hemangioblastoma. Last evaluated: 2017-01-01. Review status: criteria provided, single submitter. Criteria: ACMG Guidelines, 2015. Collection method: clinical testing. Allele origin: unknown. Affected: yes.

Literature cited by the submitters: PubMed 12114495 (cited by Ambry Genetics and Labcorp Genetics (formerly Invitae), Labcorp); PubMed 18423895 (cited by Ambry Genetics); PubMed 22799452 (cited by Ambry Genetics and Labcorp Genetics (formerly Invitae), Labcorp); PubMed 31620170 (cited by Ambry Genetics); PubMed 35319492 (cited by Ambry Genetics); PubMed 7987306 (cited by Labcorp Genetics (formerly Invitae), Labcorp); PubMed 10567493 (cited by Labcorp Genetics (formerly Invitae), Labcorp); PubMed 15611064 (cited by Labcorp Genetics (formerly Invitae), Labcorp); PubMed 7728151 (cited by Labcorp Genetics (formerly Invitae), Labcorp); PubMed 23384228 (cited by Labcorp Genetics (formerly Invitae), Labcorp).